The following is an entry in ClinVar:

NM_000900.5(MGP):c.182G>A (p.Arg61His)

Gene: MGP (matrix Gla protein; minus strand). Cytogenetic location: 12p12.3.
Variant type: single nucleotide variant.
Coding change: c.182G>A on transcript NM_000900.5 (MANE Select); coding-DNA position 182, G replaced by A.
Protein change: p.Arg61His; replaces arginine 61 with histidine.
Molecular consequence: missense variant.
Genome position (GRCh38, 1-based): chr12:14,882,269, C>T on the plus strand (G>A on the coding strand, the complement: MGP is on the minus strand). VCF-style: chr12-14882269-C-T. GRCh37 (hg19) VCF-style: chr12-15035203-C-T.
Other names: c.257G>A, p.Arg86His (NM_001190839.3); short protein forms R61H, R86H.
Identifiers: ClinVar variation 1510377 (VCV001510377.7), dbSNP rs374434209, ClinGen allele CA6465148.

ClinVar aggregate classification (germline): Uncertain significance. Review status: criteria provided, multiple submitters, no conflicts (2 of 4 stars). 2 submissions from 2 submitters: Uncertain significance (2). Last evaluated 2025-09-21.

Allele frequency attached by ClinVar (database versions not stated): TOPMed 0.00001; ExAC 0.00002.

Submissions (2):

Labcorp Genetics (formerly Invitae), Labcorp
Classification: Uncertain significance. Last evaluated: 2025-09-21. Review status: criteria provided, single submitter. Criteria: Invitae Variant Classification Sherloc (09022015). Collection method: clinical testing. Allele origin: germline.
Comment: This sequence change replaces arginine, which is basic and polar, with histidine, which is basic and polar, at codon 61 of the MGP protein (p.Arg61His). This variant is present in population databases (rs374434209, gnomAD 0.006%). This variant has not been reported in the literature in individuals affected with MGP-related conditions. ClinVar contains an entry for this variant (Variation ID: 1510377). An algorithm developed to predict the effect of missense changes on protein structure and function (PolyPhen-2) suggests that this variant is likely to be tolerated. In summary, the available evidence is currently insufficient to determine the role of this variant in disease. Therefore, it has been classified as a Variant of Uncertain Significance.

Blueprint Genetics
Classification: Uncertain significance. Last evaluated: 2018-08-17. Review status: criteria provided, single submitter. Criteria: ACMG Guidelines, 2015. Collection method: clinical testing. Allele origin: germline.